The following is an entry in ClinVar:

ClinVar aggregate classification (germline): Uncertain significance. Review status: criteria provided, multiple submitters, no conflicts (2 of 4 stars). 2 submissions from 2 submitters: Uncertain significance (2). Last evaluated 2026-03-03.

Conditions:
Inborn genetic diseases. Identifiers: MedGen C0950123, MeSH D030342.
Aortic valve disease 2 (AOVD2). Identifiers: MedGen C3542024, MONDO:0013902, OMIM 614823.

gnomAD v4.1: 3 of 1,608,678 alleles (0.00019%); highest among the groups gnomAD compares: Middle Eastern, 0.016%; no homozygotes.

Submissions (2):

Ambry Genetics
Classification: Uncertain significance for Inborn genetic diseases. Last evaluated: 2026-03-03. Review status: criteria provided, single submitter. Criteria: Ambry Variant Classification Scheme 2023. Collection method: clinical testing. Allele origin: germline.
Comment: The c.1198G>A (p.V400M) alteration is located in exon 4 (coding exon 4) of the SMAD6 gene. This alteration results from a G to A substitution at nucleotide position 1198, causing the valine (V) at amino acid position 400 to be replaced by a methionine (M). Based on data from gnomAD, the A allele has an overall frequency of <0.001% (0/239254) total alleles studied. The highest observed frequency was <0.001% (/) of alleles. Based on insufficient or conflicting evidence, the clinical significance of this alteration remains unclear.

Labcorp Genetics (formerly Invitae), Labcorp
Classification: Uncertain significance for Aortic valve disease 2. Last evaluated: 2025-05-18. Review status: criteria provided, single submitter. Criteria: Invitae Variant Classification Sherloc (09022015). Collection method: clinical testing. Allele origin: germline.
Comment: This sequence change replaces valine, which is neutral and non-polar, with methionine, which is neutral and non-polar, at codon 400 of the SMAD6 protein (p.Val400Met). This variant is not present in population databases (gnomAD no frequency). This variant has not been reported in the literature in individuals affected with SMAD6-related conditions. ClinVar contains an entry for this variant (Variation ID: 1746566). Invitae Evidence Modeling of protein sequence and biophysical properties (such as structural, functional, and spatial information, amino acid conservation, physicochemical variation, residue mobility, and thermodynamic stability) has been performed for this missense variant. However, the output from this modeling did not meet the statistical confidence thresholds required to predict the impact of this variant on SMAD6 protein function. In summary, the available evidence is currently insufficient to determine the role of this variant in disease. Therefore, it has been classified as a Variant of Uncertain Significance.

NM_005585.5(SMAD6):c.1198G>A (p.Val400Met)

Gene: SMAD6 (SMAD family member 6; plus strand). Cytogenetic location: 15q22.31.
Variant type: single nucleotide variant.
Coding change: c.1198G>A on transcript NM_005585.5 (MANE Select); coding-DNA position 1198, G replaced by A.
Protein change: p.Val400Met; replaces valine 400 with methionine.
Molecular consequence: missense variant. On other transcripts: non-coding transcript variant (1).
Genome position (GRCh38, 1-based): chr15:66,781,242, G>A. VCF-style: chr15-66781242-G-A. GRCh37 (hg19) VCF-style: chr15-67073580-G-A.
Other names: short protein forms V400M.
Identifiers: ClinVar variation 1746566 (VCV001746566.4), dbSNP rs762357095, ClinGen allele CA393202067.
Genomic context (GRCh38, chr15:66,781,242, plus strand): 5'-GTGCGGCGAACGCGCAGCAAGATCGGCTTCGGCATCCTGCTCAGCAAGGAGCCCGACGGC[G>A]TGTGGGCCTACAACCGCGGCGAGCACCCCATCTTCGTCAACTCCCCGACGCTGGACGCGC-3'
Protein context (NP_005576.3, residues 390-410): GILLSKEPDG[Val400Met]WAYNRGEHPI